The following is an entry in ClinVar:

NM_000455.5(STK11):c.389A>T (p.Glu130Val)

Gene: STK11 (serine/threonine kinase 11; plus strand). Cytogenetic location: 19p13.3.
Variant type: single nucleotide variant.
Coding change: c.389A>T on transcript NM_000455.5 (MANE Select); coding-DNA position 389, A replaced by T.
Protein change: p.Glu130Val; replaces glutamic acid 130 with valine.
Molecular consequence: missense variant.
Genome position (GRCh38, 1-based): chr19:1,219,338, A>T. VCF-style: chr19-1219338-A-T. GRCh37 (hg19) VCF-style: chr19-1219337-A-T.
Other names: short protein forms E130V.
Identifiers: ClinVar variation 1393563 (VCV001393563.8), dbSNP rs1568705335, ClinGen allele CA402948131.

ClinVar aggregate classification (germline): Uncertain significance (1 of 4 stars; one submission).

Conditions:
Peutz-Jeghers syndrome (PJS). Also called: Peutz-Jeghers polyposis; Periorificial lentiginosis syndrome; POLYPOSIS, HAMARTOMATOUS INTESTINAL; POLYPS-AND-SPOTS SYNDROME. Identifiers: Orphanet 2869, MedGen C0031269, MeSH D010580, MONDO:0008280, OMIM 175200.

Submission:

Labcorp Genetics (formerly Invitae), Labcorp
Classification: Uncertain significance for Peutz-Jeghers syndrome. Last evaluated: 2021-07-08. Review status: criteria provided, single submitter. Criteria: Invitae Variant Classification Sherloc (09022015). Collection method: clinical testing. Allele origin: germline.
Comment: This sequence change replaces glutamic acid with valine at codon 130 of the STK11 protein (p.Glu130Val). The glutamic acid residue is highly conserved and there is a moderate physicochemical difference between glutamic acid and valine. This variant is not present in population databases (ExAC no frequency). This variant has not been reported in the literature in individuals affected with STK11-related conditions. Advanced modeling of protein sequence and biophysical properties (such as structural, functional, and spatial information, amino acid conservation, physicochemical variation, residue mobility, and thermodynamic stability) performed at Invitae indicates that this missense variant is expected to disrupt STK11 protein function. In summary, the available evidence is currently insufficient to determine the role of this variant in disease. Therefore, it has been classified as a Variant of Uncertain Significance.